The following is an entry in ClinVar:

NM_016599.5(MYOZ2):c.649C>A (p.Pro217Thr)

Gene: MYOZ2 (myozenin 2; plus strand). Cytogenetic location: 4q26.
Variant type: single nucleotide variant.
Coding change: c.649C>A on transcript NM_016599.5 (MANE Select); coding-DNA position 649, C replaced by A.
Protein change: p.Pro217Thr; replaces proline 217 with threonine.
Molecular consequence: missense variant.
Genome position (GRCh38, 1-based): chr4:119,186,054, C>A. VCF-style: chr4-119186054-C-A. GRCh37 (hg19) VCF-style: chr4-120107209-C-A.
Other names: short protein forms P217T.
Identifiers: ClinVar variation 229032 (VCV000229032.5), dbSNP rs751294999, ClinGen allele CA3058689.
Genomic context (GRCh38, chr4:119,186,054, plus strand): 5'-AAAGCATCAAGAATGGTTAAATTTAAAGTTCCAGATTTTGAGCTACTATTGCTAACAGAT[C>A]CCAGGTTTATGTCCTTTGTCAATCCCCTTTCTGGCAGACGGTCCTTTAATAGGACTCCTA-3'
Protein context (NP_057683.1, residues 207-227): PDFELLLLTD[Pro217Thr]RFMSFVNPLS

ClinVar aggregate classification (germline): Uncertain significance (1 of 4 stars; one submission).

Allele frequency attached by ClinVar (database versions not stated): gnomAD exomes 0.00001; ExAC 0.00002.
gnomAD v4.1: 5 of 1,613,928 alleles (0.00031%); highest among the groups gnomAD compares: South Asian, 0.0055%; no homozygotes.

Submission:

Laboratory for Molecular Medicine, Mass General Brigham Personalized Medicine
Classification: Uncertain significance. Last evaluated: 2015-03-30. Review status: criteria provided, single submitter. Criteria: LMM Criteria. Collection method: clinical testing. Allele origin: germline. Observed: 1 variant allele.
Comment: The p.Pro217Thr variant in MYOZ2 has not been previously reported in individuals with cardiomyopathy, but has been identified in 2/16510 South Asian chromosomes by the Exome Aggregation Consortium (ExAC). Com putational prediction tools and conservation analysis do not provide strong supp ort for or against an impact to the protein. In summary, the clinical significan ce of the p.Pro217Thr variant is uncertain.